The following is an entry in ClinVar:

NM_001041.4(SI):c.1394G>A (p.Gly465Glu)

Gene: SI (sucrase-isomaltase; minus strand). Cytogenetic location: 3q26.1.
Variant type: single nucleotide variant.
Coding change: c.1394G>A on transcript NM_001041.4 (MANE Select); coding-DNA position 1394, G replaced by A.
Protein change: p.Gly465Glu; replaces glycine 465 with glutamic acid.
Molecular consequence: missense variant.
Genome position (GRCh38, 1-based): chr3:165,058,967, C>T on the plus strand (G>A on the coding strand, the complement: SI is on the minus strand). VCF-style: chr3-165058967-C-T. GRCh37 (hg19) VCF-style: chr3-164776755-C-T.
Other names: short protein forms G465E.
Identifiers: ClinVar variation 1461879 (VCV001461879.8), dbSNP rs2108248197, ClinGen allele CA355029172.

ClinVar aggregate classification (germline): Uncertain significance (1 of 4 stars; one submission).

Submission:

Labcorp Genetics (formerly Invitae), Labcorp
Classification: Uncertain significance. Last evaluated: 2024-10-16. Review status: criteria provided, single submitter. Criteria: Invitae Variant Classification Sherloc (09022015). Collection method: clinical testing. Allele origin: germline.
Comment: This sequence change replaces glycine, which is neutral and non-polar, with glutamic acid, which is acidic and polar, at codon 465 of the SI protein (p.Gly465Glu). This variant is not present in population databases (gnomAD no frequency). This variant has not been reported in the literature in individuals affected with SI-related conditions. ClinVar contains an entry for this variant (Variation ID: 1461879). Invitae Evidence Modeling of protein sequence and biophysical properties (such as structural, functional, and spatial information, amino acid conservation, physicochemical variation, residue mobility, and thermodynamic stability) indicates that this missense variant is expected to disrupt SI protein function with a positive predictive value of 95%. In summary, the available evidence is currently insufficient to determine the role of this variant in disease. Therefore, it has been classified as a Variant of Uncertain Significance.